The following is an entry in ClinVar:

NM_020461.4(TUBGCP6):c.3301C>T (p.Arg1101Trp)

Gene: TUBGCP6 (tubulin gamma complex component 6; minus strand). Cytogenetic location: 22q13.33.
Variant type: single nucleotide variant.
Coding change: c.3301C>T on transcript NM_020461.4 (MANE Select); coding-DNA position 3301, C replaced by T.
Protein change: p.Arg1101Trp; replaces arginine 1101 with tryptophan.
Molecular consequence: missense variant.
Genome position (GRCh38, 1-based): chr22:50,221,058, G>A on the plus strand (C>T on the coding strand, the complement: TUBGCP6 is on the minus strand). VCF-style: chr22-50221058-G-A. GRCh37 (hg19) VCF-style: chr22-50659487-G-A.
Other names: short protein forms R1101W.
Identifiers: ClinVar variation 1058934 (VCV001058934.9), dbSNP rs755654925, ClinGen allele CA10307993.

ClinVar aggregate classification (germline): Uncertain significance (1 of 4 stars; one submission).

Allele frequency attached by ClinVar (database versions not stated): gnomAD 0.00001; ExAC 0.00002; gnomAD exomes 0.00002.
gnomAD v4.1: 33 of 1,612,636 alleles (0.002%); highest among the groups gnomAD compares: South Asian, 0.0077%; no homozygotes.

Submission:

Labcorp Genetics (formerly Invitae), Labcorp
Classification: Uncertain significance. Last evaluated: 2022-02-02. Review status: criteria provided, single submitter. Criteria: Invitae Variant Classification Sherloc (09022015). Collection method: clinical testing. Allele origin: germline.
Comment: This variant is present in population databases (rs755654925, gnomAD 0.01%). In summary, the available evidence is currently insufficient to determine the role of this variant in disease. Therefore, it has been classified as a Variant of Uncertain Significance. Algorithms developed to predict the effect of missense changes on protein structure and function are either unavailable or do not agree on the potential impact of this missense change (SIFT: "Deleterious"; PolyPhen-2: "Probably Damaging"; Align-GVGD: "Class C0"). ClinVar contains an entry for this variant (Variation ID: 1058934). This variant has not been reported in the literature in individuals affected with TUBGCP6-related conditions. This sequence change replaces arginine, which is basic and polar, with tryptophan, which is neutral and slightly polar, at codon 1101 of the TUBGCP6 protein (p.Arg1101Trp).